The following is an entry in ClinVar:

ClinVar aggregate classification (germline): Pathogenic (3 of 4 stars; one submission).

Conditions:
Bernard Soulier syndrome (BSS). Also called: GLYCOPROTEIN Ib, PLATELET, DEFICIENCY OF; PLATELET GLYCOPROTEIN Ib DEFICIENCY; VON WILLEBRAND FACTOR RECEPTOR DEFICIENCY; Giant platelet syndrome; Hemorrhagiparous thrombocytic dystrophy; Giant platelet disease. Identifiers: Orphanet 274, MedGen C0005129, MeSH D001606, MONDO:0009276, OMIM 231200.

Submission:

ClinGen Platelet Disorders Variant Curation Expert Panel, ClinGen
Classification: Pathogenic for Bernard Soulier syndrome. Last evaluated: 2025-02-11. Review status: reviewed by expert panel. Criteria: ClinGen Platelet ACMG Specifications GP9 V1.0.0. Collection method: curation. Allele origin: germline. Inheritance: Autosomal recessive inheritance.
Comment: The NM_000174.5(GP9):c.266G>A variant in GPIX is a missense variant predicted to cause substitution of cysteine by tyrosine at amino acid 89 (p.Cys89Tyr). This variant has been detected in at least 7 probands with Bernard-Soulier syndrome (PM3_Strong). Of those individuals, 2 (PMIDs: 24934643, 28765788) were compound heterozygous for this variant and a pathogenic or likely pathogenic variant and both of those were confirmed in trans by family testing or other methods (c. 212T>C [p.Phe71Ser], c.182A>G [p.Asn61Ser]. The other 5 probands were homozygous for the variant, with at least 2 of these confirmed in trans (PMIDs: 24934643, 16916536, 8972003). All seven probands are reported to have Japanese ancestry, which points to the likelihood that this variant originated in a common ancestor. At least one patient (Case 1 in PMID:8972003) with this variant had less than 10% expression of GPIba measured by Western blot, which is highly specific for Bernard-Soulier syndrome, in addition to macrothrombocytopenia. This proband received full gene sequencing and del/dup analysis of all BSS genes (PMID: 1577776). The variant has been reported to segregate with Bernard-Soulier syndrome in the proband (meeting PP4) plus one affected family member (sister in family 1), both with the homozygous genotype with the c.266G>A variant (PP1; PMID:8972003). Surface expression of GP1a and GP9 measured by flow cytometry in CHO DUK- cells transiently co-transfected with the c.266G>A variant in GP9 and wild type GP1a and GP1b showed absent expression (<25%) WT levels, indicating that this variant impacts protein function (PMID:8972003)(PS3_Supporting). The computational predictor REVEL gives a score of 0.926, which is above the ClinGen PD VCEP threshold of >0.773 and predicts a damaging effect on function (PP3_Moderate). In summary, this variant meets the criteria to be classified as pathogenic for autosomal recessive Bernard-Soulier syndrome based on the ACMG/AMP criteria applied, as specified by the ClinGen PD VCEP: PM3_Strong, PP4_Moderate, PP1, PP3_Moderate, PS3_Supporting. (VCEP specifications version 1)

NM_000174.5(GP9):c.266G>A (p.Cys89Tyr)

Gene: GP9 (glycoprotein IX platelet; plus strand). Cytogenetic location: 3q21.3.
Variant type: single nucleotide variant.
Coding change: c.266G>A on transcript NM_000174.5 (MANE Select); coding-DNA position 266, G replaced by A.
Protein change: p.Cys89Tyr; replaces cysteine 89 with tyrosine.
Molecular consequence: missense variant.
Genome position (GRCh38, 1-based): chr3:129,062,005, G>A. VCF-style: chr3-129062005-G-A. GRCh37 (hg19) VCF-style: chr3-128780848-G-A.
Other names: NM_000174.5:c.266G>A; short protein forms C89Y.
Identifiers: ClinVar variation 3775050 (VCV003775050.1).